The following is an entry in ClinVar:

ClinVar aggregate classification (germline): Uncertain significance (1 of 4 stars; one submission).

Conditions:
Fanconi anemia complementation group E (FANCE). Also called: FANCE-Related Fanconi Anemia. Identifiers: Orphanet 84, MedGen C3160739, MONDO:0010953, OMIM 600901.

gnomAD v4.1: 1 of 1,613,908 alleles (0.000062%); highest among the groups gnomAD compares: East Asian, 0.0022%; no homozygotes.

Submission:

Labcorp Genetics (formerly Invitae), Labcorp
Classification: Uncertain significance for Fanconi anemia complementation group E. Last evaluated: 2024-08-14. Review status: criteria provided, single submitter. Criteria: Invitae Variant Classification Sherloc (09022015). Collection method: clinical testing. Allele origin: germline.
Comment: This sequence change replaces aspartic acid, which is acidic and polar, with glutamic acid, which is acidic and polar, at codon 143 of the FANCE protein (p.Asp143Glu). This variant is present in population databases (no rsID available, gnomAD 0.006%). This variant has not been reported in the literature in individuals affected with FANCE-related conditions. Invitae Evidence Modeling of protein sequence and biophysical properties (such as structural, functional, and spatial information, amino acid conservation, physicochemical variation, residue mobility, and thermodynamic stability) indicates that this missense variant is not expected to disrupt FANCE protein function with a negative predictive value of 80%. In summary, the available evidence is currently insufficient to determine the role of this variant in disease. Therefore, it has been classified as a Variant of Uncertain Significance.

NM_021922.3(FANCE):c.429T>G (p.Asp143Glu)

Gene: FANCE (FA complementation group E; plus strand). Cytogenetic location: 6p21.31.
Variant type: single nucleotide variant.
Coding change: c.429T>G on transcript NM_021922.3 (MANE Select); coding-DNA position 429, T replaced by G.
Protein change: p.Asp143Glu; replaces aspartic acid 143 with glutamic acid.
Molecular consequence: missense variant.
Genome position (GRCh38, 1-based): chr6:35,455,927, T>G. VCF-style: chr6-35455927-T-G. GRCh37 (hg19) VCF-style: chr6-35423704-T-G.
Other names: c.429T>G, p.Asp143Glu (NM_001410876.1); short protein forms D143E.
Identifiers: ClinVar variation 3661950 (VCV003661950.2).
Genomic context (GRCh38, chr6:35,455,927, plus strand): 5'-GGACCTAGCCCCTGACCCAGATGCCTGGCTCCGTGCCCTGGGGGAATTGCTGCGAAGGGA[T>G]TTGGGGGTGGGGACCTCCATGGAGGGAGCTTCTCCACTGTCTGAAAGATGCCAGAGACAG-3'
Protein context (NP_068741.1, residues 133-153): LRALGELLRR[Asp143Glu]LGVGTSMEGA